The following is an entry in ClinVar:

ClinVar aggregate classification (germline): Uncertain significance (1 of 4 stars; one submission).

Allele frequency attached by ClinVar (database versions not stated): ExAC 0.00001; gnomAD 0.00003; TOPMed 0.00004; ESP Exome Variant Server 0.00008.

Submission:

Labcorp Genetics (formerly Invitae), Labcorp
Classification: Uncertain significance. Last evaluated: 2024-01-04. Review status: criteria provided, single submitter. Criteria: Invitae Variant Classification Sherloc (09022015). Collection method: clinical testing. Allele origin: germline.
Comment: This sequence change replaces isoleucine, which is neutral and non-polar, with phenylalanine, which is neutral and non-polar, at codon 3321 of the VCAN protein (p.Ile3321Phe). This variant is present in population databases (rs371639860, gnomAD 0.02%). This variant has not been reported in the literature in individuals affected with VCAN-related conditions. ClinVar contains an entry for this variant (Variation ID: 1945757). An algorithm developed to predict the effect of missense changes on protein structure and function (PolyPhen-2) suggests that this variant is likely to be disruptive. In summary, the available evidence is currently insufficient to determine the role of this variant in disease. Therefore, it has been classified as a Variant of Uncertain Significance.

NM_004385.5(VCAN):c.9961A>T (p.Ile3321Phe)

Gene: VCAN (versican; plus strand). Cytogenetic location: 5q14.3.
Variant type: single nucleotide variant.
Coding change: c.9961A>T on transcript NM_004385.5 (MANE Select); coding-DNA position 9961, A replaced by T.
Protein change: p.Ile3321Phe; replaces isoleucine 3321 with phenylalanine.
Molecular consequence: missense variant.
Genome position (GRCh38, 1-based): chr5:83,580,060, A>T. VCF-style: chr5-83580060-A-T. GRCh37 (hg19) VCF-style: chr5-82875879-A-T.
Other names: c.1738A>T, p.Ile580Phe (NM_001126336.3); c.7000A>T, p.Ile2334Phe (NM_001164097.2); c.4699A>T, p.Ile1567Phe (NM_001164098.2); short protein forms I2334F, I1567F, I3321F, I580F.
Identifiers: ClinVar variation 1945757 (VCV001945757.5), dbSNP rs371639860, ClinGen allele CA3334136.
Genomic context (GRCh38, chr5:83,580,060, plus strand): 5'-GTTGTAGAAAATGCCAAGACCTTTGGAAAGATGAAACCTCGTTATGAAATCAACTCCCTG[A>T]TTAGATACCACTGCAAAGATGGTTTCATTCAACGTCACCTTCCAACTATCCGGTGCTTAG-3'
Protein context (NP_004376.2, residues 3311-3331): MKPRYEINSL[Ile3321Phe]RYHCKDGFIQ